The following is an entry in ClinVar:

NM_173628.4(DNAH17):c.11761G>T (p.Ala3921Ser)

Gene: DNAH17 (dynein axonemal heavy chain 17; minus strand). Cytogenetic location: 17q25.3.
Variant type: single nucleotide variant.
Coding change: c.11761G>T on transcript NM_173628.4 (MANE Select); coding-DNA position 11761, G replaced by T.
Protein change: p.Ala3921Ser; replaces alanine 3921 with serine.
Molecular consequence: missense variant.
Genome position (GRCh38, 1-based): chr17:78,439,134, C>A on the plus strand (G>T on the coding strand, the complement: DNAH17 is on the minus strand). VCF-style: chr17-78439134-C-A. GRCh37 (hg19) VCF-style: chr17-76435216-C-A.
Other names: short protein forms A3921S.
Identifiers: ClinVar variation 2473134 (VCV002473134.3), dbSNP rs35315621, ClinGen allele CA8800333.
Genomic context (GRCh38, chr17:78,439,134, plus strand): 5'-GCTGGCCCCCTCGTACCTGCAGAATGACCCAGTGTCCTTTCTCTGCAGCCACGTCCAGGG[C>A]GTTCTCAGCCACCACCTCTTGTCCCTGCCCCAGGGACACATTATGGAGTTTTCCATTGTC-3'
Protein context (NP_775899.3, residues 3911-3931): GQGQEVVAEN[Ala3921Ser]LDVAAEKGHW

ClinVar aggregate classification (germline): Conflicting classifications of pathogenicity. Review status: criteria provided, conflicting classifications (1 of 4 stars). 2 submissions from 2 submitters: Uncertain significance (1); Likely benign (1). Last evaluated 2025-02-27.

Conditions:
Inborn genetic diseases. Identifiers: MedGen C0950123, MeSH D030342.
DNAH17-related disorder. Also called: DNAH17-related condition.

Allele frequency attached by ClinVar (database versions not stated): ExAC 0.00030; 1000 Genomes Project 0.00080; 1000 Genomes Project 30x 0.00109; gnomAD 0.00115; TOPMed 0.00119; ESP Exome Variant Server 0.00123.
gnomAD v4.1: 335 of 1,613,602 alleles (0.021%); highest among the groups gnomAD compares: African/African-American, 0.39%; 1 homozygote.

Submissions (2):

PreventionGenetics, part of Exact Sciences
Classification: Likely benign for DNAH17-related condition. Last evaluated: 2025-02-27. Review status: criteria provided, single submitter. Criteria: ACMG Guidelines, 2015. Collection method: clinical testing. Allele origin: germline.
Comment: This variant is classified as likely benign based on ACMG/AMP sequence variant interpretation guidelines (Richards et al. 2015 PMID: 25741868, with internal and published modifications).

Ambry Genetics
Classification: Uncertain significance for Inborn genetic diseases. Last evaluated: 2023-02-10. Review status: criteria provided, single submitter. Criteria: Ambry Variant Classification Scheme 2023. Collection method: clinical testing. Allele origin: germline.